The following is an entry in ClinVar:

NM_002890.3(RASA1):c.2093dup (p.Leu698fs)

Genes: CCNH (cyclin H; minus strand), RASA1 (RAS p21 protein activator 1; plus strand). Cytogenetic location: 5q14.3.
Variant type: Duplication.
Coding change: c.2093dup on transcript NM_002890.3 (MANE Select); coding-DNA position 2093, one base duplicated (T; older notation c.2093dupT).
Protein change: p.Leu698fs; shifts the reading frame from leucine 698.
Molecular consequence: frameshift variant. On other transcripts: intron variant (1).
Genome position (GRCh38, 1-based): chr5:87,376,474, T duplicated; the last of 2 consecutive T bases (chr5:87,376,473-87,376,474); duplicating either gives the same sequence. VCF-style (leftmost placement, unchanged base first): chr5-87376472-A-AT. GRCh37 (hg19) VCF-style: chr5-86672289-A-AT.
Other names: c.1562dup, p.Leu521fs (NM_022650.3); c.933+18571dup (NM_001364075.2); c.2093dupT (NM_002890.2); short protein forms L521fs, L698fs.
Identifiers: ClinVar variation 561932 (VCV000561932.3), dbSNP rs1561322256, ClinGen allele CA658822122.

ClinVar aggregate classification (germline): Pathogenic (1 of 4 stars; one submission).

Submission:

GeneDx
Classification: Pathogenic. Last evaluated: 2018-07-05. Review status: criteria provided, single submitter. Criteria: GeneDx Variant Classification (06012015). Collection method: clinical testing. Allele origin: germline. Affected: yes.
Comment: Although the c.2093dupT pathogenic variant in the RASA1 gene has not been reported to our knowledge, this variant causes a shift in reading frame starting at codon leucine 698, changing it to a phenylalanine, and creating a premature stop codon at position 5 of the new reading frame, denoted p.Leu698PhefsX5. This pathogenic variant is expected to result in either an abnormal, truncated protein product or loss of protein from this allele through nonsense-mediated mRNA decay. Other frameshift variants in the RASA1 gene have been reported in Human Gene Mutation Database in association with HHT (Stenson et al., 2014), indicating that loss of function is a mechanism of disease for this gene. Furthermore, the c.2093dupT variant has not been observed in large population cohorts (Lek et al., 2016).